The following is an entry in ClinVar:

ClinVar aggregate classification (germline): Uncertain significance (1 of 4 stars; one submission).

Conditions:
Autosomal dominant polycystic kidney disease. Identifiers: Orphanet 730, MedGen C0085413, MONDO:0004691.

gnomAD v4.1: 7 of 1,568,956 alleles (0.00045%); highest among the groups gnomAD compares: South Asian, 0.0055%; no homozygotes.

Submission:

Labcorp Genetics (formerly Invitae), Labcorp
Classification: Uncertain significance for Autosomal dominant polycystic kidney disease. Last evaluated: 2024-02-20. Review status: criteria provided, single submitter. Criteria: Invitae Variant Classification Sherloc (09022015). Collection method: clinical testing. Allele origin: germline.
Comment: This sequence change replaces threonine, which is neutral and polar, with alanine, which is neutral and non-polar, at codon 683 of the PKD2 protein (p.Thr683Ala). This variant is present in population databases (rs766812508, gnomAD 0.006%). This variant has not been reported in the literature in individuals affected with PKD2-related conditions. Advanced modeling of protein sequence and biophysical properties (such as structural, functional, and spatial information, amino acid conservation, physicochemical variation, residue mobility, and thermodynamic stability) performed at Invitae indicates that this missense variant is not expected to disrupt PKD2 protein function with a negative predictive value of 80%. In summary, the available evidence is currently insufficient to determine the role of this variant in disease. Therefore, it has been classified as a Variant of Uncertain Significance.

NM_000297.4(PKD2):c.2047A>G (p.Thr683Ala)

Gene: PKD2 (polycystin 2, transient receptor potential cation channel; plus strand). Cytogenetic location: 4q22.1.
Variant type: single nucleotide variant.
Coding change: c.2047A>G on transcript NM_000297.4 (MANE Select); coding-DNA position 2047, A replaced by G.
Protein change: p.Thr683Ala; replaces threonine 683 with alanine.
Molecular consequence: missense variant. On other transcripts: non-coding transcript variant (1).
Genome position (GRCh38, 1-based): chr4:88,061,933, A>G. VCF-style: chr4-88061933-A-G. GRCh37 (hg19) VCF-style: chr4-88983085-A-G.
Other names: short protein forms T683A.
Identifiers: ClinVar variation 3642163 (VCV003642163.2).